The following is an entry in ClinVar:

ClinVar aggregate classification (germline): Uncertain significance (1 of 4 stars; one submission).

Allele frequency attached by ClinVar (database versions not stated): gnomAD exomes below 0.00001 and 0.00001; TOPMed below 0.00001; gnomAD 0.00001; ExAC 0.00002.
gnomAD v4.1: 4 of 1,613,948 alleles (0.00025%); highest among the groups gnomAD compares: Non-Finnish European, 0.00034%; no homozygotes.

Submission:

Labcorp Genetics (formerly Invitae), Labcorp
Classification: Uncertain significance. Last evaluated: 2025-02-17. Review status: criteria provided, single submitter. Criteria: Invitae Variant Classification Sherloc (09022015). Collection method: clinical testing. Allele origin: germline.
Comment: This sequence change replaces leucine, which is neutral and non-polar, with proline, which is neutral and non-polar, at codon 1039 of the MYO5B protein (p.Leu1039Pro). This variant is present in population databases (rs746798083, gnomAD 0.002%). This variant has not been reported in the literature in individuals affected with MYO5B-related conditions. ClinVar contains an entry for this variant (Variation ID: 1506971). Invitae Evidence Modeling of protein sequence and biophysical properties (such as structural, functional, and spatial information, amino acid conservation, physicochemical variation, residue mobility, and thermodynamic stability) indicates that this missense variant is not expected to disrupt MYO5B protein function with a negative predictive value of 80%. In summary, the available evidence is currently insufficient to determine the role of this variant in disease. Therefore, it has been classified as a Variant of Uncertain Significance.

NM_001080467.3(MYO5B):c.3116T>C (p.Leu1039Pro)

Genes: MYO5B (myosin VB; minus strand), LOC126862746 (CDK7 strongly-dependent group 2 enhancer GRCh37_chr18:47405587-47406786; plus strand). Cytogenetic location: 18q21.1.
Variant type: single nucleotide variant.
Coding change: c.3116T>C on transcript NM_001080467.3 (MANE Select); coding-DNA position 3116, T replaced by C.
Protein change: p.Leu1039Pro; replaces leucine 1039 with proline.
Molecular consequence: missense variant.
Genome position (GRCh38, 1-based): chr18:49,880,385, A>G on the plus strand (T>C on the coding strand, the complement: MYO5B is on the minus strand). VCF-style: chr18-49880385-A-G. GRCh37 (hg19) VCF-style: chr18-47406755-A-G.
Other names: short protein forms L1039P.
Identifiers: ClinVar variation 1506971 (VCV001506971.6), dbSNP rs746798083, ClinGen allele CA8960842.